The following is an entry in ClinVar:

ClinVar aggregate classification (germline): Uncertain significance. Review status: criteria provided, multiple submitters, no conflicts (2 of 4 stars). 2 submissions from 2 submitters: Uncertain significance (2). Last evaluated 2025-04-06.

Conditions:
Mosaic variegated aneuploidy syndrome 2 (MVA2). Identifiers: Orphanet 1052, MedGen C3279843, MONDO:0013582, OMIM 614114.
Inborn genetic diseases. Identifiers: MedGen C0950123, MeSH D030342.

Allele frequency attached by ClinVar (database versions not stated): gnomAD 0.00001; TOPMed below 0.00001; gnomAD exomes below 0.00001.
gnomAD v4.1: 7 of 1,613,644 alleles (0.00043%); highest among the groups gnomAD compares: Admixed American, 0.0083%; no homozygotes.

Submissions (2):

Ambry Genetics
Classification: Uncertain significance for Inborn genetic diseases. Last evaluated: 2025-04-06. Review status: criteria provided, single submitter. Criteria: Ambry Variant Classification Scheme 2023. Collection method: clinical testing. Allele origin: germline.
Comment: The p.D288N variant (also known as c.862G>A), located in coding exon 8 of the CEP57 gene, results from a G to A substitution at nucleotide position 862. The aspartic acid at codon 288 is replaced by asparagine, an amino acid with highly similar properties. This amino acid position is conserved. In addition, this alteration is predicted to be tolerated by in silico analysis. Based on the available evidence, the clinical significance of this variant remains unclear.

Labcorp Genetics (formerly Invitae), Labcorp
Classification: Uncertain significance for Mosaic variegated aneuploidy syndrome 2. Last evaluated: 2022-11-10. Review status: criteria provided, single submitter. Criteria: Invitae Variant Classification Sherloc (09022015). Collection method: clinical testing. Allele origin: germline.
Comment: In summary, the available evidence is currently insufficient to determine the role of this variant in disease. Therefore, it has been classified as a Variant of Uncertain Significance. Algorithms developed to predict the effect of sequence changes on RNA splicing suggest that this variant may disrupt the consensus splice site. Advanced modeling of protein sequence and biophysical properties (such as structural, functional, and spatial information, amino acid conservation, physicochemical variation, residue mobility, and thermodynamic stability) performed at Invitae indicates that this missense variant is not expected to disrupt CEP57 protein function. This variant has not been reported in the literature in individuals affected with CEP57-related conditions. This variant is present in population databases (no rsID available, gnomAD 0.009%). This sequence change replaces aspartic acid, which is acidic and polar, with asparagine, which is neutral and polar, at codon 288 of the CEP57 protein (p.Asp288Asn).

NM_014679.5(CEP57):c.862G>A (p.Asp288Asn)

Gene: CEP57 (centrosomal protein 57; plus strand). Cytogenetic location: 11q21.
Variant type: single nucleotide variant.
Coding change: c.862G>A on transcript NM_014679.5 (MANE Select); coding-DNA position 862, G replaced by A.
Protein change: p.Asp288Asn; replaces aspartic acid 288 with asparagine.
Molecular consequence: missense variant. On other transcripts: intron variant (1).
Genome position (GRCh38, 1-based): chr11:95,822,553, G>A. VCF-style: chr11-95822553-G-A. GRCh37 (hg19) VCF-style: chr11-95555717-G-A.
Other names: c.862G>A (NM_014679.4); c.835G>A, p.Asp279Asn (NM_001243776.2); c.781G>A, p.Asp261Asn (NM_001363604.2); c.807+575G>A (NM_001243777.2); short protein forms D261N, D279N, D288N.
Identifiers: ClinVar variation 2080822 (VCV002080822.5), dbSNP rs1029918025, ClinGen allele CA226582818.
Genomic context (GRCh38, chr11:95,822,553, plus strand): 5'-ATTCAGAAAAGTTCTAGGAACTATTTTGGTGCACAACCACATTATAGATTATGCTTGGGT[G>A]ATATGCCATTTGTAGCTGGGAAGGTGAGTTGGTCAAACTCCGGATTCTTTTTATACAACA-3'
Protein context (NP_055494.2, residues 278-298): AQPHYRLCLG[Asp288Asn]MPFVAGKSTS